The following is an entry in ClinVar:

NM_000038.6(APC):c.7910G>A (p.Gly2637Asp)

Gene: APC (APC regulator of Wnt signaling pathway; plus strand). Cytogenetic location: 5q22.2.
Variant type: single nucleotide variant.
Coding change: c.7910G>A on transcript NM_000038.6 (MANE Select); coding-DNA position 7910, G replaced by A.
Protein change: p.Gly2637Asp; replaces glycine 2637 with aspartic acid.
Molecular consequence: missense variant.
Genome position (GRCh38, 1-based): chr5:112,843,504, G>A. VCF-style: chr5-112843504-G-A. GRCh37 (hg19) VCF-style: chr5-112179201-G-A.
Other names: c.7910G>A, p.Gly2637Asp (NM_001127510.3, NM_001354895.2); c.7856G>A, p.Gly2619Asp (NM_001127511.3); c.7964G>A, p.Gly2655Asp (NM_001354896.2); c.7940G>A, p.Gly2647Asp (NM_001354897.2); c.7835G>A, p.Gly2612Asp (NM_001354898.2); c.7826G>A, p.Gly2609Asp (NM_001354899.2); c.7787G>A, p.Gly2596Asp (NM_001354900.2); c.7733G>A, p.Gly2578Asp (NM_001354901.2); and 5 more; short protein forms G2477D, G2609D, G2354D, G2546D, G2612D, G2637D, G2647D, G2655D.
Identifiers: ClinVar variation 967107 (VCV000967107.11), dbSNP rs752753706, ClinGen allele CA049434.

ClinVar aggregate classification (germline): Uncertain significance. Review status: criteria provided, multiple submitters, no conflicts (2 of 4 stars). 2 submissions from 2 submitters: Uncertain significance (2). Last evaluated 2023-07-03.

Conditions:
Hereditary cancer-predisposing syndrome. Also called: Hereditary neoplastic syndrome; Neoplastic Syndromes, Hereditary; Hereditary Cancer Syndrome; Tumor predisposition. Identifiers: Orphanet 140162, MedGen C0027672, MeSH D009386, MONDO:0015356.
Familial adenomatous polyposis 1 (FAP1). Also called: POLYPOSIS, ADENOMATOUS INTESTINAL; FAMILIAL ADENOMATOUS POLYPOSIS 1, ATTENUATED. Identifiers: MedGen C2713442, MONDO:0021056, OMIM 175100. Disease mechanism: loss of function.

Allele frequency attached by ClinVar (database versions not stated): gnomAD exomes below 0.00001; ExAC 0.00001.
gnomAD v4.1: 1 of 1,613,858 alleles (0.000062%); highest among the groups gnomAD compares: Admixed American, 0.0017%; no homozygotes.

Submissions (2):

Labcorp Genetics (formerly Invitae), Labcorp
Classification: Uncertain significance for Familial adenomatous polyposis 1. Last evaluated: 2023-07-03. Review status: criteria provided, single submitter. Criteria: Invitae Variant Classification Sherloc (09022015). Collection method: clinical testing. Allele origin: germline.
Comment: This sequence change replaces glycine, which is neutral and non-polar, with aspartic acid, which is acidic and polar, at codon 2637 of the APC protein (p.Gly2637Asp). This variant is present in population databases (rs752753706, gnomAD 0.003%). This variant has not been reported in the literature in individuals affected with APC-related conditions. ClinVar contains an entry for this variant (Variation ID: 967107). Advanced modeling of protein sequence and biophysical properties (such as structural, functional, and spatial information, amino acid conservation, physicochemical variation, residue mobility, and thermodynamic stability) performed at Invitae indicates that this missense variant is not expected to disrupt APC protein function. In summary, the available evidence is currently insufficient to determine the role of this variant in disease. Therefore, it has been classified as a Variant of Uncertain Significance.

Ambry Genetics
Classification: Uncertain significance for Hereditary cancer-predisposing syndrome. Last evaluated: 2022-12-07. Review status: criteria provided, single submitter. Criteria: Ambry Variant Classification Scheme 2023. Collection method: clinical testing. Allele origin: germline.
Comment: The p.G2637D variant (also known as c.7910G>A), located in coding exon 15 of the APC gene, results from a G to A substitution at nucleotide position 7910. The glycine at codon 2637 is replaced by aspartic acid, an amino acid with similar properties. This amino acid position is conserved. In addition, in silico predictors for this gene do not accurately predict pathogenicity. Since supporting evidence is limited at this time, the clinical significance of this alteration remains unclear.